The following is an entry in ClinVar:

ClinVar aggregate classification (germline): Uncertain significance. Review status: criteria provided, multiple submitters, no conflicts (2 of 4 stars). 2 submissions from 2 submitters: Uncertain significance (2). Last evaluated 2026-06-22.

Conditions:
Hereditary cancer-predisposing syndrome. Also called: Neoplastic Syndromes, Hereditary; Tumor predisposition; Hereditary Cancer Syndrome; Hereditary neoplastic syndrome. Identifiers: Orphanet 140162, MedGen C0027672, MeSH D009386, MONDO:0015356.

Submissions (2):

Ambry Genetics
Classification: Uncertain significance for Hereditary cancer-predisposing syndrome. Last evaluated: 2026-06-22. Review status: criteria provided, single submitter. Criteria: Ambry Variant Classification Scheme 2023. Collection method: clinical testing. Allele origin: germline.

GeneDx
Classification: Uncertain significance. Last evaluated: 2024-01-04. Review status: criteria provided, single submitter. Criteria: GeneDx Variant Classification Process June 2021. Collection method: clinical testing. Allele origin: germline. Affected: yes.
Comment: Not observed at significant frequency in large population cohorts (gnomAD); In silico analysis supports that this missense variant has a deleterious effect on protein structure/function; Has not been previously published as pathogenic or benign to our knowledge

NM_006231.4(POLE):c.4507T>C (p.Phe1503Leu)

Gene: POLE (DNA polymerase epsilon, catalytic subunit; minus strand). Cytogenetic location: 12q24.33.
Variant type: single nucleotide variant.
Coding change: c.4507T>C on transcript NM_006231.4 (MANE Select); coding-DNA position 4507, T replaced by C.
Protein change: p.Phe1503Leu; replaces phenylalanine 1503 with leucine.
Molecular consequence: missense variant.
Genome position (GRCh38, 1-based): chr12:132,643,268, A>G on the plus strand (T>C on the coding strand, the complement: POLE is on the minus strand). VCF-style: chr12-132643268-A-G. GRCh37 (hg19) VCF-style: chr12-133219854-A-G.
Other names: short protein forms F1503L.
Identifiers: ClinVar variation 1304808 (VCV001304808.6), dbSNP rs2138546633, ClinGen allele CA387380491.